The following is an entry in ClinVar:

ClinVar aggregate classification (germline): Uncertain significance. Review status: criteria provided, multiple submitters, no conflicts (2 of 4 stars). 2 submissions from 2 submitters: Uncertain significance (2). Last evaluated 2026-04-08.

Conditions:
Inborn genetic diseases. Identifiers: MedGen C0950123, MeSH D030342.

gnomAD v4.1: 2 of 1,613,838 alleles (0.00012%); highest among the groups gnomAD compares: South Asian, 0.0011%; no homozygotes.

Submissions (2):

Women's Health and Genetics/Laboratory Corporation of America, LabCorp
Classification: Uncertain significance. Last evaluated: 2026-04-08. Review status: criteria provided, single submitter. Criteria: LabCorp Variant Classification Summary - May 2015. Collection method: clinical testing. Allele origin: germline.
Comment: Variant summary: ZNF462 c.7462A>G (p.Ile2488Val) results in a conservative amino acid change in the encoded protein sequence. Algorithms developed to predict the effect of missense changes on protein structure and function all suggest that this variant is likely to be tolerated. The variant was absent in 250520 control chromosomes. The available data on variant occurrences in the general population are insufficient to allow any conclusion about variant significance. To our knowledge, no occurrence of c.7462A>G in individuals affected with ZNF462-related conditions and no experimental evidence demonstrating its impact on protein function have been reported. ClinVar contains an entry for this variant (Variation ID: 4635210). Based on the evidence outlined above, the variant was classified as uncertain significance.

Ambry Genetics
Classification: Uncertain significance for Inborn genetic diseases. Last evaluated: 2025-11-26. Review status: criteria provided, single submitter. Criteria: Ambry Variant Classification Scheme 2023. Collection method: clinical testing. Allele origin: germline.

NM_021224.6(ZNF462):c.7462A>G (p.Ile2488Val)

Genes: ZNF462 (zinc finger protein 462; plus strand), LOC340512 (uncharacterized LOC340512; minus strand). Cytogenetic location: 9q31.2.
Variant type: single nucleotide variant.
Coding change: c.7462A>G on transcript NM_021224.6 (MANE Select); coding-DNA position 7462, A replaced by G.
Protein change: p.Ile2488Val; replaces isoleucine 2488 with valine.
Molecular consequence: missense variant.
Genome position (GRCh38, 1-based): chr9:107,010,971, A>G. VCF-style: chr9-107010971-A-G. GRCh37 (hg19) VCF-style: chr9-109773252-A-G.
Other names: c.4867A>G, p.Ile1623Val (NM_001347997.2); short protein forms I2488V, I1623V.
Identifiers: ClinVar variation 4635210 (VCV004635210.2).